The following is an entry in ClinVar:

ClinVar aggregate classification (germline): Uncertain significance. Review status: criteria provided, multiple submitters, no conflicts (2 of 4 stars). 2 submissions from 2 submitters: Uncertain significance (2). Last evaluated 2024-04-05.

Conditions:
Hereditary cancer-predisposing syndrome. Also called: Hereditary Cancer Syndrome; Neoplastic Syndromes, Hereditary; Hereditary neoplastic syndrome; Tumor predisposition. Identifiers: Orphanet 140162, MedGen C0027672, MeSH D009386, MONDO:0015356.
Gorlin syndrome. Also called: Nevoid Basal Cell Carcinoma Syndrome; Basal cell nevus syndrome. Identifiers: Orphanet 377, MedGen C0004779, MONDO:0007187.

Allele frequency attached by ClinVar (database versions not stated): gnomAD exomes below 0.00001.
gnomAD v4.1: 1 of 1,614,226 alleles (0.000062%); highest among the groups gnomAD compares: Non-Finnish European, 0.000085%; no homozygotes.

Submissions (2):

Ambry Genetics
Classification: Uncertain significance for Hereditary cancer-predisposing syndrome. Last evaluated: 2024-04-05. Review status: criteria provided, single submitter. Criteria: Ambry Variant Classification Scheme 2023. Collection method: clinical testing. Allele origin: germline.
Comment: The p.I899M variant (also known as c.2697C>G), located in coding exon 16 of the PTCH1 gene, results from a C to G substitution at nucleotide position 2697. The isoleucine at codon 899 is replaced by methionine, an amino acid with highly similar properties. This amino acid position is well conserved in available vertebrate species. In addition, this alteration is predicted to be tolerated by in silico analysis. Since supporting evidence is limited at this time, the clinical significance of this alteration remains unclear.

Labcorp Genetics (formerly Invitae), Labcorp
Classification: Uncertain significance for Gorlin syndrome. Last evaluated: 2022-11-22. Review status: criteria provided, single submitter. Criteria: Invitae Variant Classification Sherloc (09022015). Collection method: clinical testing. Allele origin: germline.
Comment: In summary, the available evidence is currently insufficient to determine the role of this variant in disease. Therefore, it has been classified as a Variant of Uncertain Significance. Advanced modeling of protein sequence and biophysical properties (such as structural, functional, and spatial information, amino acid conservation, physicochemical variation, residue mobility, and thermodynamic stability) performed at Invitae indicates that this missense variant is not expected to disrupt PTCH1 protein function. ClinVar contains an entry for this variant (Variation ID: 821683). This variant has not been reported in the literature in individuals affected with PTCH1-related conditions. This variant is not present in population databases (gnomAD no frequency). This sequence change replaces isoleucine, which is neutral and non-polar, with methionine, which is neutral and non-polar, at codon 899 of the PTCH1 protein (p.Ile899Met).

NM_000264.5(PTCH1):c.2697C>G (p.Ile899Met)

Gene: PTCH1 (patched 1; minus strand). Cytogenetic location: 9q22.32.
Variant type: single nucleotide variant.
Coding change: c.2697C>G on transcript NM_000264.5 (MANE Select); coding-DNA position 2697, C replaced by G.
Protein change: p.Ile899Met; replaces isoleucine 899 with methionine.
Molecular consequence: missense variant. On other transcripts: non-coding transcript variant (1).
Genome position (GRCh38, 1-based): chr9:95,461,862, G>C on the plus strand (C>G on the coding strand, the complement: PTCH1 is on the minus strand). VCF-style: chr9-95461862-G-C. GRCh37 (hg19) VCF-style: chr9-98224144-G-C.
Other names: c.2499C>G, p.Ile833Met (NM_001083602.3); c.2694C>G, p.Ile898Met (NM_001083603.3); c.2244C>G, p.Ile748Met (NM_001083604.3, NM_001083605.3, NM_001083606.3 and 1 more transcripts); c.2541C>G, p.Ile847Met (NM_001354918.2); short protein forms I833M, I847M, I748M, I898M, I899M.
Identifiers: ClinVar variation 821683 (VCV000821683.13), dbSNP rs1588551373, ClinGen allele CA374113289.